The following is an entry in ClinVar:

NM_017654.4(SAMD9):c.2029G>T (p.Ala677Ser)

Gene: SAMD9 (sterile alpha motif domain containing 9; minus strand). Cytogenetic location: 7q21.2.
Variant type: single nucleotide variant.
Coding change: c.2029G>T on transcript NM_017654.4 (MANE Select); coding-DNA position 2029, G replaced by T.
Protein change: p.Ala677Ser; replaces alanine 677 with serine.
Molecular consequence: missense variant.
Genome position (GRCh38, 1-based): chr7:93,104,069, C>A on the plus strand (G>T on the coding strand, the complement: SAMD9 is on the minus strand). VCF-style: chr7-93104069-C-A. GRCh37 (hg19) VCF-style: chr7-92733382-C-A.
Other names: c.2029G>T, p.Ala677Ser (NM_001193307.2); short protein forms A677S.
Identifiers: ClinVar variation 1947118 (VCV001947118.5), dbSNP rs2535359311, ClinGen allele CA368193611.

ClinVar aggregate classification (germline): Uncertain significance (1 of 4 stars; one submission).

Submission:

Labcorp Genetics (formerly Invitae), Labcorp
Classification: Uncertain significance. Last evaluated: 2022-08-19. Review status: criteria provided, single submitter. Criteria: Invitae Variant Classification Sherloc (09022015). Collection method: clinical testing. Allele origin: germline.
Comment: This sequence change replaces alanine, which is neutral and non-polar, with serine, which is neutral and polar, at codon 677 of the SAMD9 protein (p.Ala677Ser). Algorithms developed to predict the effect of missense changes on protein structure and function (SIFT, PolyPhen-2, Align-GVGD) all suggest that this variant is likely to be tolerated. This variant has not been reported in the literature in individuals affected with SAMD9-related conditions. This variant is not present in population databases (gnomAD no frequency). In summary, the available evidence is currently insufficient to determine the role of this variant in disease. Therefore, it has been classified as a Variant of Uncertain Significance.